The following is an entry in ClinVar:

NM_014481.4(APEX2):c.583C>T (p.Leu195=)

Gene: APEX2 (apurinic/apyrimidinic endodeoxyribonuclease 2; plus strand). Cytogenetic location: Xp11.21.
Variant type: single nucleotide variant.
Coding change: c.583C>T on transcript NM_014481.4 (MANE Select); coding-DNA position 583, C replaced by T.
Protein change: p.Leu195=; no amino-acid change (leucine 195 retained).
Molecular consequence: synonymous variant.
Genome position (GRCh38, 1-based): chrX:55,003,812, C>T. VCF-style: chrX-55003812-C-T. GRCh37 (hg19) VCF-style: chrX-55030245-C-T.
Other names: c.70C>T, p.Leu24= (NM_001271748.2).
Identifiers: ClinVar variation 2660687 (VCV002660687.24), dbSNP rs374229738, ClinGen allele CA10428072.

ClinVar aggregate classification (germline): Likely benign (1 of 4 stars; one submission).

Allele frequency attached by ClinVar (database versions not stated): ExAC 0.00003; gnomAD 0.00007; gnomAD exomes 0.00007; ESP Exome Variant Server 0.00009; TOPMed 0.00009.
gnomAD v4.1: 83 of 1,209,313 alleles (0.0069%); highest among the groups gnomAD compares: Admixed American, 0.011%; no homozygotes.

Submission:

CeGaT Center for Human Genetics Tuebingen
Classification: Likely benign. Last evaluated: 2023-01-01. Review status: criteria provided, single submitter. Criteria: CeGaT Center For Human Genetics Tuebingen Variant Classification Criteria Version 2. Collection method: clinical testing. Allele origin: germline. Affected: yes. Observed: 1 variant allele.
Comment: APEX2: BP4, BP7, BS2